The following is an entry in ClinVar:

NM_000284.4(PDHA1):c.937_942dup (p.Ser314_Asp315insLysSer)

Gene: PDHA1 (pyruvate dehydrogenase E1 subunit alpha 1; plus strand). Cytogenetic location: Xp22.12.
Variant type: Duplication.
Coding change: c.937_942dup on transcript NM_000284.4 (MANE Select); coding-DNA positions 937 to 942, 6 bases duplicated (AAGAGT; older notation c.937_942dupAAGAGT).
Protein change: p.Ser314_Asp315insLysSer.
Molecular consequence: inframe insertion.
Genome position (GRCh38, 1-based): chrX:19,358,953-19,358,958, AAGAGT duplicated; duplicating any 6 consecutive bases within chrX:19,358,950-19,358,958 gives the same sequence; the c. name uses the placement nearest the transcript's 3' end. VCF-style (leftmost placement, unchanged base first): chrX-19358949-A-AAGTAAG. GRCh37 (hg19) VCF-style: chrX-19377067-A-AAGTAAG.
Other names: c.1051_1056dup, p.Ser352_Asp353insLysSer (NM_001173454.2); c.958_963dup, p.Ser321_Asp322insLysSer (NM_001173455.2); c.844_849dup, p.Ser283_Asp284insLysSer (NM_001173456.2).
Identifiers: ClinVar variation 4070405 (VCV004070405.1).

ClinVar aggregate classification (germline): Pathogenic (0 of 4 stars; one submission).

Conditions:
Pyruvate dehydrogenase E1-alpha deficiency (PDHAD). Also called: ATAXIA, INTERMITTENT, WITH PYRUVATE DEHYDROGENASE DEFICIENCY; ATAXIA WITH LACTIC ACIDOSIS I; ATAXIA, INTERMITTENT, WITH ABNORMAL PYRUVATE METABOLISM; Ataxia, intermittent, with pyruvate dehydrogenase, or decarboxylase, deficiency. Identifiers: Orphanet 79243, MedGen C1839413, MONDO:0010717, OMIM 312170.

Submission:

PDHA1 Study Group, University Children’s Hospital, Paracelsus Medical University
Classification: Pathogenic for Pyruvate dehydrogenase E1-alpha deficiency. Last evaluated: 2024-10-15. Review status: no assertion criteria provided. Collection method: research. Allele origin: de novo. Affected: yes. Observed: 1 variant allele.
Comment: The NM_000284.3:c.937_942dup (p.Lys313_Ser314dup) change is a deletion-insertion (delins) variant in PDHA1 gene. Among them, 1 case had confirmed de novo occurrence. The variant has been reported in 1 published case (PMIDs: 21914562). Last literature search: July 12, 2024. This variant is absent or extremely rare in population-based cohorts in the Genome Aggregation Database (gnomAD). Individuals harboring this variant presented with clinical features compatible with PDHA1-related PDHc deficiency. In summary, this variant meets criteria to be classified as pathogenic (P) for PDHA1-related PDHc deficiency based on the ACMG/AMP criteria applied: PS2, PS3, PM1, PM2, PM4, PM7 (last assessment October 15, 2024).

Literature cited by the submitters: PubMed 21914562; DOI 10.1093/brain/awaf430.